The following is an entry in ClinVar:

ClinVar aggregate classification (germline): Conflicting classifications of pathogenicity. Review status: criteria provided, conflicting classifications (1 of 4 stars). 4 submissions from 4 submitters: Uncertain significance (2); Likely benign (2). Last evaluated 2025-08-11.

Conditions:
CLN8-related disorder. Also called: CLN8-related condition.
Inborn genetic diseases. Identifiers: MedGen C0950123, MeSH D030342.
Neuronal ceroid lipofuscinosis. Also called: Neuronal Ceroid Lipofuscinoses. Identifiers: Orphanet 216, Orphanet 79263, MedGen C0027877, MONDO:0016295. Disease mechanism: loss of function.

Allele frequency attached by ClinVar (database versions not stated): gnomAD 0.00001; TOPMed 0.00001; gnomAD exomes 0.00004 and 0.00008; ExAC 0.00008.
gnomAD v4.1: 64 of 1,613,956 alleles (0.004%); highest among the groups gnomAD compares: South Asian, 0.065%; no homozygotes.

Submissions (4):

Labcorp Genetics (formerly Invitae), Labcorp
Classification: Likely benign for Neuronal ceroid lipofuscinosis. Last evaluated: 2025-08-11. Review status: criteria provided, single submitter. Criteria: Invitae Variant Classification Sherloc (09022015). Collection method: clinical testing. Allele origin: germline.

Ambry Genetics
Classification: Uncertain significance for Inborn genetic diseases. Last evaluated: 2025-08-06. Review status: criteria provided, single submitter. Criteria: Ambry Variant Classification Scheme 2023. Collection method: clinical testing. Allele origin: germline.

PreventionGenetics, part of Exact Sciences
Classification: Likely benign for CLN8-related condition. Last evaluated: 2025-01-25. Review status: criteria provided, single submitter. Criteria: ACMG Guidelines, 2015. Collection method: clinical testing. Allele origin: germline.
Comment: This variant is classified as likely benign based on ACMG/AMP sequence variant interpretation guidelines (Richards et al. 2015 PMID: 25741868, with internal and published modifications).

Eurofins Ntd Llc (ga)
Classification: Uncertain significance. Last evaluated: 2016-12-15. Review status: criteria provided, single submitter. Criteria: EGL Classification Definitions 2015. Collection method: clinical testing. Allele origin: germline. Observed: 1 variant allele, 1 heterozygote.

NM_018941.4(CLN8):c.151G>A (p.Ala51Thr)

Gene: CLN8 (CLN8 transmembrane ER and ERGIC protein; plus strand). Cytogenetic location: 8p23.3.
Variant type: single nucleotide variant.
Coding change: c.151G>A on transcript NM_018941.4 (MANE Select); coding-DNA position 151, G replaced by A.
Protein change: p.Ala51Thr; replaces alanine 51 with threonine.
Molecular consequence: missense variant.
Genome position (GRCh38, 1-based): chr8:1,771,205, G>A. VCF-style: chr8-1771205-G-A. GRCh37 (hg19) VCF-style: chr8-1719371-G-A.
Other names: c.151G>A (NM_018941.3); short protein forms A51T.
Identifiers: ClinVar variation 499266 (VCV000499266.12), dbSNP rs777453297, ClinGen allele CA4599214.
Genomic context (GRCh38, chr8:1,771,205, plus strand): 5'-GGCTTTGTCTTCTACTTGGGCGTCTTTGTGGTCTGCCACCAGCTGTCCTCTTCCCTGAAT[G>A]CCACTTACCGTTCTTTGGTGGCCAGAGAGAAGGTCTTCTGGGACCTGGCGGCCACGCGTG-3'
Protein context (NP_061764.2, residues 41-61): VCHQLSSSLN[Ala51Thr]TYRSLVAREK